The following is an entry in ClinVar:

ClinVar aggregate classification (germline): Uncertain significance (1 of 4 stars; one submission).

gnomAD v4.1: 2 of 1,211,020 alleles (0.00017%); no homozygotes.

Submission:

CeGaT Center for Human Genetics Tuebingen
Classification: Uncertain significance. Last evaluated: 2026-07-01. Review status: criteria provided, single submitter. Criteria: CeGaT Center For Human Genetics Tuebingen Variant Classification Criteria Version 2. Collection method: clinical testing. Allele origin: germline. Affected: yes. Observed: 1 variant allele.
Comment: USP9X: PM2, BP4

NM_001039591.3(USP9X):c.1830T>C (p.His610=)

Gene: USP9X (ubiquitin specific peptidase 9 X-linked; plus strand). Cytogenetic location: Xp11.4.
Variant type: single nucleotide variant.
Coding change: c.1830T>C on transcript NM_001039591.3 (MANE Select); coding-DNA position 1830, T replaced by C.
Protein change: p.His610=; no amino-acid change (histidine 610 retained).
Molecular consequence: synonymous variant.
Genome position (GRCh38, 1-based): chrX:41,153,014, T>C. VCF-style: chrX-41153014-T-C. GRCh37 (hg19) VCF-style: chrX-41012267-T-C.
Other names: c.1830T>C, p.His610= (NM_001039590.3); c.1845T>C, p.His615= (NM_001410748.1, NM_001410749.1, NM_001437534.1).
Identifiers: ClinVar variation 5040125 (VCV005040125.1).